The following is an entry in ClinVar:

ClinVar aggregate classification (germline): Uncertain significance. Review status: criteria provided, multiple submitters, no conflicts (2 of 4 stars). 2 submissions from 2 submitters: Uncertain significance (2). Last evaluated 2026-02-17.

Conditions:
Cardiovascular phenotype. Identifiers: MedGen CN230736.

gnomAD v4.1: 12 of 1,612,164 alleles (0.00074%); highest among the groups gnomAD compares: African/African-American, 0.0013%; no homozygotes.

Submissions (2):

Women's Health and Genetics/Laboratory Corporation of America, LabCorp
Classification: Uncertain significance. Last evaluated: 2026-02-17. Review status: criteria provided, single submitter. Criteria: LabCorp Variant Classification Summary - May 2015. Collection method: clinical testing. Allele origin: germline.
Comment: Variant summary: RIT1 c.655A>C (p.Thr219Pro) results in a non-conservative amino acid change in the encoded protein sequence. Algorithms developed to predict the effect of missense changes on protein structure and function are either unavailable or do not agree on the potential impact of this missense change. The variant allele was found at a frequency of 4e-06 in 251278 control chromosomes. The available data on variant occurrences in the general population are insufficient to allow any conclusion about variant significance. To our knowledge, no occurrence of c.655A>C in individuals affected with RIT1-related conditions and no experimental evidence demonstrating its impact on protein function have been reported. ClinVar contains an entry for this variant (Variation ID: 4614841). Based on the evidence outlined above, the variant was classified as uncertain significance.

Ambry Genetics
Classification: Uncertain significance for Cardiovascular phenotype. Last evaluated: 2025-10-24. Review status: criteria provided, single submitter. Criteria: Ambry Variant Classification Scheme 2023. Collection method: clinical testing. Allele origin: germline.

NM_006912.6(RIT1):c.655A>C (p.Thr219Pro)

Gene: RIT1 (Ras like without CAAX 1; minus strand). Cytogenetic location: 1q22.
Variant type: single nucleotide variant.
Coding change: c.655A>C on transcript NM_006912.6 (MANE Select); coding-DNA position 655, A replaced by C.
Protein change: p.Thr219Pro; replaces threonine 219 with proline.
Molecular consequence: missense variant.
Genome position (GRCh38, 1-based): chr1:155,900,393, T>G on the plus strand (A>C on the coding strand, the complement: RIT1 is on the minus strand). VCF-style: chr1-155900393-T-G. GRCh37 (hg19) VCF-style: chr1-155870184-T-G.
Other names: c.547A>C, p.Thr183Pro (NM_001256820.2); c.706A>C, p.Thr236Pro (NM_001256821.2); short protein forms T183P, T219P, T236P.
Identifiers: ClinVar variation 4614841 (VCV004614841.2).